The following is an entry in ClinVar:

ClinVar aggregate classification (germline): Benign/Likely benign. Review status: criteria provided, multiple submitters, no conflicts (2 of 4 stars). 3 submissions from 3 submitters: Benign (1); Likely benign (2). Last evaluated 2024-05-21.

Conditions:
Familial cancer of breast. Also called: Hereditary breast cancer; BREAST CANCER, FAMILIAL; hereditary breast carcinoma. Identifiers: Orphanet 227535, MedGen C0346153, MONDO:0016419, OMIM 114480. Disease mechanism: loss of function.
Ataxia-telangiectasia syndrome (AT). Also called: Ataxia telangiectasia (A-T); Cerebello-oculocutaneous telangiectasia; Immunodeficiency with ataxia telangiectasia; LOUIS-BAR SYNDROME; ATAXIA-TELANGIECTASIA, FRESNO VARIANT; Ataxia-telangiectasia, complementation group D. Identifiers: Orphanet 100, MedGen C0004135, MONDO:0008840, OMIM 208900.
Hereditary cancer-predisposing syndrome. Also called: Tumor predisposition; Hereditary Cancer Syndrome; Neoplastic Syndromes, Hereditary; Hereditary neoplastic syndrome. Identifiers: Orphanet 140162, MedGen C0027672, MeSH D009386, MONDO:0015356.

Submissions (3):

Myriad Genetics, Inc.
Classification: Benign for Familial cancer of breast. Last evaluated: 2024-05-21. Review status: criteria provided, single submitter. Criteria: Myriad Autosomal Dominant, Autosomal Recessive and X-Linked Classification Criteria (2023). Collection method: clinical testing. Allele origin: unknown.
Comment: This variant is considered benign. This variant is a silent/synonymous amino acid change and it is not expected to impact splicing.

Labcorp Genetics (formerly Invitae), Labcorp
Classification: Likely benign for Ataxia-telangiectasia syndrome. Last evaluated: 2024-04-22. Review status: criteria provided, single submitter. Criteria: Invitae Variant Classification Sherloc (09022015). Collection method: clinical testing. Allele origin: germline.

Ambry Genetics
Classification: Likely benign for Hereditary cancer-predisposing syndrome. Last evaluated: 2021-06-20. Review status: criteria provided, single submitter. Criteria: Ambry Variant Classification Scheme 2023. Collection method: clinical testing. Allele origin: germline.

NM_000051.4(ATM):c.4815A>C (p.Ala1605=)

Gene: ATM (ATM serine/threonine kinase; plus strand). Cytogenetic location: 11q22.3.
Variant type: single nucleotide variant.
Coding change: c.4815A>C on transcript NM_000051.4 (MANE Select); coding-DNA position 4815, A replaced by C.
Protein change: p.Ala1605=; no amino-acid change (alanine 1605 retained).
Molecular consequence: synonymous variant.
Genome position (GRCh38, 1-based): chr11:108,294,965, A>C. VCF-style: chr11-108294965-A-C. GRCh37 (hg19) VCF-style: chr11-108165692-A-C.
Other names: c.4815A>C, p.Ala1605= (NM_001351834.2).
Identifiers: ClinVar variation 762828 (VCV000762828.14), dbSNP rs1591684513, ClinGen allele CA476674513.